The following is an entry in ClinVar:

NM_001102401.4(TTI2):c.1115+1G>T

Gene: TTI2 (TELO2 interacting protein 2; minus strand). Cytogenetic location: 8p12.
Variant type: single nucleotide variant.
Coding change: c.1115+1G>T on transcript NM_001102401.4 (MANE Select); the canonical splice donor site of the intron after coding-DNA position 1115, G replaced by T.
Molecular consequence: splice donor variant.
Genome position (GRCh38, 1-based): chr8:33,503,747, C>A on the plus strand (G>T on the coding strand, the complement: TTI2 is on the minus strand). VCF-style: chr8-33503747-C-A. GRCh37 (hg19) VCF-style: chr8-33361265-C-A.
Other names: c.1022+1G>T (NM_001330505.3); c.1115+1G>T (NM_001265581.2, NM_025115.5).
Identifiers: ClinVar variation 3774202 (VCV003774202.1).

ClinVar aggregate classification (germline): Uncertain significance (1 of 4 stars; one submission).

Submission:

GeneDx
Classification: Uncertain significance. Last evaluated: 2024-09-21. Review status: criteria provided, single submitter. Criteria: GeneDx Variant Classification Process June 2021. Collection method: clinical testing. Allele origin: germline. Affected: yes.
Comment: Canonical splice site variant in a gene or region of a gene for which loss of function is not a well-established mechanism of disease; Not observed at significant frequency in large population cohorts (gnomAD); Has not been previously published as pathogenic or benign to our knowledge